The following is an entry in ClinVar:

NM_001394062.1(MACF1):c.19934G>A (p.Arg6645Gln)

Gene: MACF1 (microtubule actin crosslinking factor 1; plus strand). Cytogenetic location: 1p34.3.
Variant type: single nucleotide variant.
Coding change: c.19934G>A on transcript NM_001394062.1 (MANE Select); coding-DNA position 19934, G replaced by A.
Protein change: p.Arg6645Gln; replaces arginine 6645 with glutamine.
Molecular consequence: missense variant.
Genome position (GRCh38, 1-based): chr1:39,447,864, G>A. VCF-style: chr1-39447864-G-A. GRCh37 (hg19) VCF-style: chr1-39913536-G-A.
Other names: c.8012G>A, p.Arg2671Gln (NM_001397473.1); c.13757G>A, p.Arg4586Gln (NM_012090.5); short protein forms R2671Q, R4586Q, R6645Q.
Identifiers: ClinVar variation 2343012 (VCV002343012.3), dbSNP rs758478864, ClinGen allele CA784258.
Genomic context (GRCh38, chr1:39,447,864, plus strand): 5'-TGTTGGTGAGCGTGCAGTCTCGATGGGAGAAGGTTGTCCAGCGATCTATTGAAAGAGGGC[G>A]ATCACTAGATGATGCCAGGAAGCGGGCAAAACAAGTAAGTTGGGGAAGAAAGATACTAAT-3'
Protein context (NP_001380991.1, residues 6635-6655): KVVQRSIERG[Arg6645Gln]SLDDARKRAK

ClinVar aggregate classification (germline): Conflicting classifications of pathogenicity. Review status: criteria provided, conflicting classifications (1 of 4 stars). 2 submissions from 2 submitters: Uncertain significance (1); Likely benign (1). Last evaluated 2025-05-28.

Conditions:
Inborn genetic diseases. Identifiers: MedGen C0950123, MeSH D030342.

Allele frequency attached by ClinVar (database versions not stated): ExAC 0.00001; TOPMed 0.00002; gnomAD 0.00004.
gnomAD v4.1: 41 of 1,613,910 alleles (0.0025%); highest among the groups gnomAD compares: South Asian, 0.013%; no homozygotes.

Submissions (2):

GeneDx
Classification: Uncertain significance. Last evaluated: 2025-05-28. Review status: criteria provided, single submitter. Criteria: GeneDx Variant Classification Process June 2021. Collection method: clinical testing. Allele origin: germline. Affected: yes.
Comment: In silico analysis supports that this missense variant has a deleterious effect on protein structure/function; Has not been previously published as pathogenic or benign to our knowledge

Ambry Genetics
Classification: Likely benign for Inborn genetic diseases. Last evaluated: 2022-01-18. Review status: criteria provided, single submitter. Criteria: Ambry Variant Classification Scheme 2023. Collection method: clinical testing. Allele origin: germline.